The following is an entry in ClinVar:

ClinVar aggregate classification (germline): Conflicting classifications of pathogenicity. Review status: criteria provided, conflicting classifications (1 of 4 stars). 22 submissions from 22 submitters: Uncertain significance (11); Benign (1); Likely benign (5). 5 of the submissions do not count toward it. Last evaluated 2026-01-19.

Conditions:
Familial cancer of breast. Also called: hereditary breast carcinoma; Hereditary breast cancer; BREAST CANCER, FAMILIAL. Identifiers: Orphanet 227535, MedGen C0346153, MONDO:0016419, OMIM 114480. Disease mechanism: loss of function.
Fanconi anemia complementation group N. Also called: PALB2-Related Fanconi Anemia. Identifiers: Orphanet 84, MedGen C1835817, MONDO:0012565, OMIM 610832. Disease mechanism: loss of function.
Familial ovarian cancer. Identifiers: MedGen C5679802, MONDO:0016248.
Breast-ovarian cancer, familial, susceptibility to, 5 (BROVCA5). Identifiers: MedGen C5830615, MONDO:0957530, OMIM 620442.
Pancreatic cancer, susceptibility to, 3. Identifiers: Orphanet 1333, MedGen C3150547, MONDO:0013236, OMIM 613348.
PALB2-related disorder. Also called: PALB2-related disorders; PALB2-related condition.
Hereditary cancer-predisposing syndrome. Also called: Neoplastic Syndromes, Hereditary; Tumor predisposition; Hereditary Cancer Syndrome; Hereditary neoplastic syndrome. Identifiers: Orphanet 140162, MedGen C0027672, MeSH D009386, MONDO:0015356.

Allele frequency attached by ClinVar (database versions not stated): gnomAD 0.00004 and 0.00005; TOPMed 0.00006; ExAC 0.00007; gnomAD exomes 0.00007; ESP Exome Variant Server 0.00008; 1000 Genomes Project 30x 0.00016; 1000 Genomes Project 0.00020.
gnomAD v4.1: 203 of 1,614,160 alleles (0.013%); highest among the groups gnomAD compares: Non-Finnish European, 0.017%; no homozygotes.

Submissions 1 to 14 of 22:

Labcorp Genetics (formerly Invitae), Labcorp
Classification: Likely benign for Familial cancer of breast. Last evaluated: 2026-01-19. Review status: criteria provided, single submitter. Criteria: Invitae Variant Classification Sherloc (09022015). Collection method: clinical testing. Allele origin: germline.

GeneDx
Classification: Uncertain significance. Last evaluated: 2025-06-26. Review status: criteria provided, single submitter. Criteria: GeneDx Variant Classification Process June 2021. Collection method: clinical testing. Allele origin: germline. Affected: yes.
Comment: In silico analysis supports that this missense variant has a deleterious effect on protein structure/function; Observed in individuals with a personal or family history of breast, ovarian, pancreatic, or other cancers (PMID: 17200668, 22241545, 26689913, 25575445, 26315354, 26283626, 25186627, 25980754, 25356972, 26534844, 28779002, 28503720, 29368341, 31742824, 32853339, 34326862); This variant is associated with the following publications: (PMID: 26315354, 28503720, 25575445, 25356972, 17200668, 26283626, 25980754, 22241545, 25186627, 26534844, 28779002, 29368341, 26689913, 30287823, 32853339, 33471991, 32830346, 31742824, 30982232, 30113427, 24485656, 19609323, 20871615, 36243179, 34326862)

PreventionGenetics, part of Exact Sciences
Classification: Likely benign for PALB2-related condition. Last evaluated: 2025-06-16. Review status: criteria provided, single submitter. Criteria: ACMG Guidelines, 2015. Collection method: clinical testing. Allele origin: germline.
Comment: This variant is classified as likely benign based on ACMG/AMP sequence variant interpretation guidelines (Richards et al. 2015 PMID: 25741868, with internal and published modifications).

Center for Genomic Medicine, Rigshospitalet, Copenhagen University Hospital
Classification: Likely benign. Last evaluated: 2025-03-04. Review status: criteria provided, single submitter. Criteria: ACMG Guidelines, 2015. Collection method: clinical testing. Allele origin: germline.
Comment: Classification criteria: BS1, BP1

Color Diagnostics, LLC DBA Color Health
Classification: Likely benign for Hereditary cancer-predisposing syndrome. Last evaluated: 2025-02-03. Review status: criteria provided, single submitter. Criteria: ACMG Guidelines, 2015. Collection method: clinical testing. Allele origin: germline.

Molecular Pathology, Peter Maccallum Cancer Centre
Classification: Uncertain significance for Familial cancer of breast. Last evaluated: 2024-10-15. Review status: criteria provided, single submitter. Criteria: ACMG Guidelines, 2015. Collection method: clinical testing. Allele origin: germline. Inheritance: Autosomal dominant inheritance.

Blueprint Genetics
Classification: Uncertain significance. Last evaluated: 2024-03-01. Review status: criteria provided, single submitter. Criteria: ACMG Guidelines, 2015. Collection method: clinical testing. Allele origin: germline.

Fulgent Genetics
Classification: Uncertain significance for Fanconi anemia complementation group N; Pancreatic cancer, susceptibility to, 3; Breast-ovarian cancer, familial, susceptibility to, 5. Last evaluated: 2024-01-16. Review status: criteria provided, single submitter. Criteria: ACMG Guidelines, 2015. Collection method: clinical testing. Allele origin: germline.

Baylor Genetics
Classification: Uncertain significance for Familial cancer of breast. Last evaluated: 2023-10-20. Review status: criteria provided, single submitter. Criteria: ACMG Guidelines, 2015. Collection method: clinical testing. Allele origin: unknown.

Myriad Genetics, Inc.
Classification: Benign for Familial cancer of breast. Last evaluated: 2023-03-31. Review status: criteria provided, single submitter. Criteria: Myriad Autosomal Dominant, Autosomal Recessive and X-Linked Classification Criteria (2023). Collection method: clinical testing. Allele origin: unknown.
Comment: This variant is considered benign. This variant is strongly associated with less severe personal and family histories of cancer, typical for individuals without pathogenic variants in this gene [PMID: 25085752]. Homozygosity for this variant has been confirmed in one or more individuals lacking clinical features consistent with gene-specific recessive disease, indicating that this variant is unlikely to be pathogenic.

Quest Diagnostics Nichols Institute San Juan Capistrano
Classification: Uncertain significance. Last evaluated: 2022-10-28. Review status: criteria provided, single submitter. Criteria: Quest Diagnostics criteria. Collection method: clinical testing. Allele origin: unknown.
Comment: The frequency of this variant in the general population, 0.00015 (19/129192 chromosomes), is uninformative in assessment of its pathogenicity. In the published literature, the variant has been reported in individuals/families with breast cancer (PMID: 30982232 (2019), 28779002 (2017), 28503720 (2017), 26534844 (2016), 26283626 (2015), 25186627 (2015), 22241545 (2012), and 17200668 (2007)), prostate cancer (PMID: 32853339 (2021) and 29368341 (2018)), and renal cell carcinoma (PMID: 32830346 (2021)). This variant has also been reported in unaffected individuals (PMID: 30287823 (2018) and 28779002 (2017)). Analysis of this variant using bioinformatics tools for the prediction of the effect of amino acid changes on protein structure and function yielded predictions that this variant is damaging. Based on the available information, we are unable to determine the clinical significance of this variant.

Women's Health and Genetics/Laboratory Corporation of America, LabCorp
Classification: Uncertain significance. Last evaluated: 2022-09-08. Review status: criteria provided, single submitter. Criteria: LabCorp Variant Classification Summary - May 2015. Collection method: clinical testing. Allele origin: germline.
Comment: Variant summary: PALB2 c.2674G>A (p.Glu892Lys) results in a conservative amino acid change located in the Partner and localiser of BRCA2, WD40 domain (IPR031920) of the encoded protein sequence. Three of five in-silico tools predict a damaging effect of the variant on protein function. The variant allele was found at a frequency of 6.5e-05 in 278636 control chromosomes (gnomAD, Rahman_2007, Momozawa_2018). This frequency is not significantly higher than expected for a pathogenic variant in PALB2 causing Hereditary Breast And Ovarian Cancer Syndrome (6.5e-05 vs 0.00016), allowing no conclusion about variant significance. c.2674G>A has been reported in the literature in individuals affected with pancreatic cancer, LS-associated cancer and/or colorectal polyps, prostate cancer, inherited renal cell carcinoma and breast cancer and/or ovarian cancer (Rahman_2007, Tischkowitz_2012, Li_2016, Nguyen-Dumont_2015, Thompson_2015, Zhen_2015, Tung_2014, Yurgelun_2015, Rummel_2017, Isaacsson Velho_2018, Wang_2019, Shao_2019, Smith_2020, Dorling_2021). These reports do not provide unequivocal conclusions about association of the variant with Hereditary Breast And Ovarian Cancer Syndrome. The variant was also reported in the FLOSSIES dataset of women over the age of 70 with no history of cancer (carrier frequency=0.0001012). To our knowledge, no experimental evidence demonstrating an impact on protein function has been reported. Twelve ClinVar submitters have assessed the variant since 2014: eleven classify the variant as uncertain significance and one as likely pathogenic. Based on the evidence outlined above, the variant was classified as uncertain significance.

Sema4
Classification: Uncertain significance for Hereditary cancer-predisposing syndrome. Last evaluated: 2021-09-03. Review status: criteria provided, single submitter. Criteria: Sema4 Curation Guidelines. Collection method: curation. Allele origin: germline.
Comment: The PALB2 c.2674G>A (p.E892K) variant has been reported in numerous individuals with breast cancer, prostate cancer, pancreatic cancer, renal cancer, and Lynch syndrome (PMID: 25575445, 29368341, 17200668, 22241545, 25186627, 33471991, 32830346, among others). It has also been reported in healthy controls (PMID: 33471991, 30287823). This variant was observed in 19/129192 chromosomes in the Non-Finnish European population, with no homozygotes, according to the Genome Aggregation Database (PMID: 27535533). The variant has been reported in ClinVar (Variation ID 126672). Functional studies have not been performed, and in silico predictions of the variant's effect on protein function are inconclusive. Based on the current evidence available, this variant is interpreted as a variant of uncertain significance.

Ambry Genetics
Classification: Likely benign for Hereditary cancer-predisposing syndrome. Last evaluated: 2020-11-12. Review status: criteria provided, single submitter. Criteria: Ambry Variant Classification Scheme 2023. Collection method: clinical testing. Allele origin: germline.

NM_024675.4(PALB2):c.2674G>A (p.Glu892Lys)

Gene: PALB2 (partner and localizer of BRCA2; minus strand). Cytogenetic location: 16p12.2.
Variant type: single nucleotide variant.
Coding change: c.2674G>A on transcript NM_024675.4 (MANE Select); coding-DNA position 2674, G replaced by A.
Protein change: p.Glu892Lys; replaces glutamic acid 892 with lysine.
Molecular consequence: missense variant.
Genome position (GRCh38, 1-based): chr16:23,626,310, C>T on the plus strand (G>A on the coding strand, the complement: PALB2 is on the minus strand). VCF-style: chr16-23626310-C-T. GRCh37 (hg19) VCF-style: chr16-23637631-C-T.
Other names: short protein forms E892K.
Identifiers: ClinVar variation 126672 (VCV000126672.57), dbSNP rs45476495, ClinGen allele CA167879.